The following is an entry in ClinVar:

ClinVar aggregate classification (germline): Pathogenic. Review status: criteria provided, multiple submitters, no conflicts (2 of 4 stars). 11 submissions from 11 submitters: Pathogenic (9). 2 of the submissions do not count toward it. Last evaluated 2026-06-27.

Conditions:
MERTK-related disorder. Also called: MERTK-related condition.
Inborn genetic diseases. Identifiers: MedGen C0950123, MeSH D030342.
Retinal dystrophy. Also called: Inherited retinal dystrophy. Identifiers: Orphanet 71862, MedGen C0854723, MeSH D058499, MONDO:0019118, HP:0000556.
Retinitis pigmentosa (RP). Identifiers: Orphanet 791, MedGen C0035334, MeSH D012174, MONDO:0019200, OMIM 268000. Inheritance: Autosomal dominant, autosomal recessive and X linked inheritance.
Autosomal recessive retinitis pigmentosa. Identifiers: MedGen C0339526.
Retinitis pigmentosa 38 (RP38). Also called: ROD-CONE DYSTROPHY, CHILDHOOD-ONSET. Identifiers: Orphanet 791, MedGen C3151228, MONDO:0013469, OMIM 613862.

Allele frequency attached by ClinVar (database versions not stated): ExAC 0.00001; gnomAD exomes 0.00002; gnomAD 0.00004; TOPMed 0.00006; ESP Exome Variant Server 0.00008.
gnomAD v4.1: 41 of 1,603,098 alleles (0.0026%); highest among the groups gnomAD compares: Non-Finnish European, 0.0032%; no homozygotes.

Submissions (12):

GeneDx
Classification: Pathogenic. Last evaluated: 2026-06-27. Review status: criteria provided, single submitter. Criteria: GeneDx Variant Classification Process June 2021. Collection method: clinical testing. Allele origin: germline.
Comment: Canonical splice site variant predicted to result in a null allele in a gene for which loss of function is a known mechanism of disease; This variant is associated with the following publications: (PMID: 34598035, 31429209, 25525159, 31589614, 31964843, 36909829, 31370859, 32552793, 17301963, 32326409)

Labcorp Genetics (formerly Invitae), Labcorp
Classification: Pathogenic. Last evaluated: 2025-11-27. Review status: criteria provided, single submitter. Criteria: Invitae Variant Classification Sherloc (09022015). Collection method: clinical testing. Allele origin: germline.
Comment: This sequence change affects a donor splice site in intron 16 of the MERTK gene. It is expected to disrupt RNA splicing. Variants that disrupt the donor or acceptor splice site typically lead to a loss of protein function (PMID: 16199547), and loss-of-function variants in MERTK are known to be pathogenic (PMID: 24265693, 29659094). This variant is present in population databases (rs371956016, gnomAD 0.005%). Disruption of this splice site has been observed in individual(s) with cone-rod dystrophy (PMID: 17301963). It has also been observed to segregate with disease in related individuals. ClinVar contains an entry for this variant (Variation ID: 5403). Algorithms developed to predict the effect of sequence changes on RNA splicing suggest that this variant may disrupt the consensus splice site. For these reasons, this variant has been classified as Pathogenic.

PreventionGenetics, part of Exact Sciences
Classification: Pathogenic for MERTK-related condition. Last evaluated: 2024-12-05. Review status: criteria provided, single submitter. Criteria: ACMG Guidelines, 2015. Collection method: clinical testing. Allele origin: germline.
Comment: The MERTK c.2189+1G>T variant is predicted to disrupt the GT donor site and interfere with normal splicing. This variant has been reported in individuals with hearing loss and/or inherited retinal disease in the homozygous and compound heterozygous states (for examples see Ebermann et al. 2007. PubMed ID: 17301963; Table S2, Peter et al. 2023. PubMed ID: 36909829; Table S1, Maddirevula et al. 2020. PubMed ID: 32552793). This variant is reported in 0.0039% of alleles in individuals of European (Non-Finnish) descent in gnomAD. Variants that disrupt the consensus splice donor site in MERTK are expected to be pathogenic. This variant is interpreted as pathogenic.

Genomic Medicine Center of Excellence, King Faisal Specialist Hospital and Research Centre
Classification: Pathogenic for Retinitis pigmentosa 38. Last evaluated: 2024-03-25. Review status: criteria provided, single submitter. Criteria: ACMG Guidelines, 2015. Collection method: clinical testing. Allele origin: germline.

Blueprint Genetics
Classification: Pathogenic for MERTK-related disorders. Last evaluated: 2023-09-25. Review status: criteria provided, single submitter. Criteria: ACMG Guidelines, 2015. Collection method: clinical testing. Allele origin: germline. Affected: yes. Observed: 5 variant alleles.

Ophthalmic Genetics Group, Institute of Molecular and Clinical Ophthalmology Basel
Classification: Pathogenic for Retinitis pigmentosa. Last evaluated: 2023-07-24. Review status: criteria provided, single submitter. Criteria: ACMG Guidelines, 2015. Collection method: research. Allele origin: germline. Affected: yes. Observed: 2 variant alleles.
Comment: Clinical significance based on ACMG v2.0

This variant was classified as Pathogenic based on ACMG criteria: PVS1, PM2, PP5.

Institute of Human Genetics, Univ. Regensburg, Univ. Regensburg
Classification: Pathogenic for Retinal dystrophy. Last evaluated: 2020-01-01. Review status: criteria provided, single submitter. Criteria: ACMG Guidelines, 2015. Collection method: clinical testing. Allele origin: germline. Affected: yes.

Mendelics
Classification: Pathogenic for Retinitis pigmentosa 38. Last evaluated: 2019-05-28. Review status: criteria provided, single submitter. Criteria: Mendelics Assertion Criteria 2017. Collection method: clinical testing. Allele origin: unknown.

Ambry Genetics
Classification: Pathogenic for Inborn genetic diseases. Last evaluated: 2016-08-10. Review status: criteria provided, single submitter. Criteria: Ambry exome assertion method (8-5-2015). Collection method: clinical testing. Allele origin: germline. Affected: yes. Observed: 1 variant allele.

Faculty of Health Sciences, Beirut Arab University
Classification: Pathogenic for Autosomal recessive Retinitis Pigmentosa. Last evaluated: 2015-09-10. Review status: no assertion criteria provided. Collection method: literature only. Allele origin: germline. Affected: yes. Observed: 1 variant allele. Not counted in ClinVar's aggregate classification.

OMIM
Classification: Pathogenic for RETINITIS PIGMENTOSA 38. Last evaluated: 2007-06-01. Review status: no assertion criteria provided. Collection method: literature only. Allele origin: germline. Not counted in ClinVar's aggregate classification.

Dr. Peter K. Rogan Lab, Western University
No classification provided (evidence only). Condition: Clear cell carcinoma of kidney. Review status: no classification provided. Collection method: in vitro. Allele origin: not applicable. Functional consequence: skipped exon, retained intron. Not counted in ClinVar's aggregate classification.

Literature cited by the submitters: PubMed 16199547 (cited by Labcorp Genetics (formerly Invitae), Labcorp); PubMed 24265693 (cited by Labcorp Genetics (formerly Invitae), Labcorp); PubMed 29659094 (cited by Labcorp Genetics (formerly Invitae), Labcorp); PubMed 17301963 (cited by 3 submitters); PubMed 36909829 (cited by Ophthalmic Genetics Group, Institute of Molecular and Clinical Ophthalmology Basel); PubMed 25525159 (cited by Institute of Human Genetics, Univ. Regensburg, Univ. Regensburg); PubMed 31589614 (cited by Institute of Human Genetics, Univ. Regensburg, Univ. Regensburg); PubMed 31370859 (cited by Institute of Human Genetics, Univ. Regensburg, Univ. Regensburg); PubMed 32326409 (cited by Institute of Human Genetics, Univ. Regensburg, Univ. Regensburg); PubMed 31964843 (cited by Institute of Human Genetics, Univ. Regensburg, Univ. Regensburg); PubMed 31429209 (cited by Institute of Human Genetics, Univ. Regensburg, Univ. Regensburg); PubMed 32552793 (cited by Institute of Human Genetics, Univ. Regensburg, Univ. Regensburg); PubMed 34598035 (cited by Institute of Human Genetics, Univ. Regensburg, Univ. Regensburg); PubMed 26355662 (cited by Faculty of Health Sciences, Beirut Arab University).

NM_006343.3(MERTK):c.2189+1G>T

Gene: MERTK (MER proto-oncogene, tyrosine kinase; plus strand). Cytogenetic location: 2q13.
Variant type: single nucleotide variant.
Coding change: c.2189+1G>T on transcript NM_006343.3 (MANE Select); the canonical splice donor site of the intron after coding-DNA position 2189, G replaced by T.
Molecular consequence: splice donor variant.
Genome position (GRCh38, 1-based): chr2:112,019,523, G>T. VCF-style: chr2-112019523-G-T. GRCh37 (hg19) VCF-style: chr2-112777100-G-T.
Other names: NP_006334.2:p.?; IVS16DS, G-T, +1.
Identifiers: ClinVar variation 5403 (VCV000005403.23), dbSNP rs371956016, ClinGen allele CA253476.